The following is an entry in ClinVar:

ClinVar aggregate classification (germline): Likely pathogenic (1 of 4 stars; one submission).

Submission:

GeneDx
Classification: Likely pathogenic. Last evaluated: 2016-08-30. Review status: criteria provided, single submitter. Criteria: GeneDx Variant Classification (06012015). Collection method: clinical testing. Allele origin: germline. Affected: yes.
Comment: The novel C102X likely pathogenic variant in the FBN1 gene has not been published as a pathogenic or benign variant to our knowledge. This variant was not observed in approximately 6,500 individuals of European and African American ancestry in the NHLBI Exome Sequencing Project, indicating it is not a common benign variant in these populations. The C102X variant is predicted to cause loss of normal protein function either by protein truncation or nonsense-mediated mRNA decay. Furthermore, many other nonsense variants in the FBN1 gene have been reported in HGMD in association with Marfan syndrome (Stenson et al., 2014). In summary, C102X in the FBN1 gene is expected to be pathogenic.

NM_000138.5(FBN1):c.306C>A (p.Cys102Ter)

Gene: FBN1 (fibrillin 1; minus strand). Cytogenetic location: 15q21.1.
Variant type: single nucleotide variant.
Coding change: c.306C>A on transcript NM_000138.5 (MANE Select); coding-DNA position 306, C replaced by A.
Protein change: p.Cys102Ter; replaces cysteine 102 with a stop codon.
Molecular consequence: nonsense.
Genome position (GRCh38, 1-based): chr15:48,610,768, G>T on the plus strand (C>A on the coding strand, the complement: FBN1 is on the minus strand). VCF-style: chr15-48610768-G-T. GRCh37 (hg19) VCF-style: chr15-48902965-G-T.
Other names: short protein forms C102*.
Identifiers: ClinVar variation 388980 (VCV000388980.2), dbSNP rs25388, ClinGen allele CA16607112.